The following is an entry in ClinVar:

NM_001042492.3(NF1):c.4530_4531insATA (p.Leu1510_Leu1511insIle)

Gene: NF1 (neurofibromin 1; plus strand). Cytogenetic location: 17q11.2.
Variant type: Insertion.
Coding change: c.4530_4531insATA on transcript NM_001042492.3 (MANE Select); coding-DNA positions 4530 to 4531, ATA inserted.
Protein change: p.Leu1510_Leu1511insIle.
Molecular consequence: inframe insertion. On other transcripts: inframe indel (1).
Genome position: GRCh38 VCF-style: chr17-31260466-C-CTAA. GRCh37 (hg19) VCF-style: chr17-29587484-C-CTAA.
Other names: c.4467_4468insATA, p.Leu1489_Leu1490insIle (NM_000267.4).
Identifiers: ClinVar variation 2807649 (VCV002807649.3), dbSNP rs2508421681, ClinGen allele CA2739267403.
Genomic context (GRCh38, chr17:31,260,466, plus strand): 5'-GATGCAGTAAATCATAGTCTTTCCTTCATAAGTGACGGCAATGTGCTTGCTTTACATCGT[C>CTAA]TACTCTGGAACAATCAGGAGAAAATTGGGCAGTATCTTTCCAGCAACAGGTAAGATTTCC-3'

ClinVar aggregate classification (germline): Uncertain significance (1 of 4 stars; one submission).

Conditions:
Neurofibromatosis, type 1 (NF1). Also called: NEUROFIBROMATOSIS, TYPE I, SOMATIC; Peripheral type neurofibromatosis; VON RECKLINGHAUSEN DISEASE; Neurofibromatosis, type I. Identifiers: Orphanet 636, MedGen C0027831, MONDO:0018975, OMIM 162200. Disease mechanism: loss of function.

Submission:

Labcorp Genetics (formerly Invitae), Labcorp
Classification: Uncertain significance for Neurofibromatosis, type 1. Last evaluated: 2022-10-05. Review status: criteria provided, single submitter. Criteria: Invitae Variant Classification Sherloc (09022015). Collection method: clinical testing. Allele origin: germline.
Comment: This variant, c.4467_4468insATA, results in the insertion of 1 amino acid(s) of the NF1 protein (p.Leu1489_Leu1490insIle), but otherwise preserves the integrity of the reading frame. This variant is not present in population databases (gnomAD no frequency). In summary, the available evidence is currently insufficient to determine the role of this variant in disease. Therefore, it has been classified as a Variant of Uncertain Significance. This variant has not been reported in the literature in individuals affected with NF1-related conditions.